The following is an entry in ClinVar:

ClinVar aggregate classification (germline): Conflicting classifications of pathogenicity. Review status: criteria provided, conflicting classifications (1 of 4 stars). 3 submissions from 3 submitters: Uncertain significance (2); Likely benign (1). Last evaluated 2024-11-01.

Allele frequency attached by ClinVar (database versions not stated): ExAC 0.00022; gnomAD 0.00022 and 0.00025; gnomAD exomes 0.00022 and 0.00024; ESP Exome Variant Server 0.00023; 1000 Genomes Project 0.00060; 1000 Genomes Project 30x 0.00062.
gnomAD v4.1: 391 of 1,612,704 alleles (0.024%); highest among the groups gnomAD compares: South Asian, 0.082%; 2 homozygotes.

Submissions (3):

CeGaT Center for Human Genetics Tuebingen
Classification: Likely benign. Last evaluated: 2024-11-01. Review status: criteria provided, single submitter. Criteria: CeGaT Center For Human Genetics Tuebingen Variant Classification Criteria Version 2. Collection method: clinical testing. Allele origin: germline. Affected: yes. Observed: 1 variant allele.
Comment: FLT4: BP4, BS2

ARUP Laboratories, Molecular Genetics and Genomics, ARUP Laboratories
Classification: Uncertain significance. Last evaluated: 2020-12-08. Review status: criteria provided, single submitter. Criteria: ARUP Molecular Germline Variant Investigation Process 2021. Collection method: clinical testing. Allele origin: germline.
Comment: The FLT4 c.1133G>A; p.Arg378His variant (rs200763913), to our knowledge, is not reported in the medical literature or gene specific databases. This variant is found in the South Asian population with an allele frequency of 0.09% (28/30612 alleles, including 0 homozygotes) in the Genome Aggregation Database. The arginine at codon 378 is moderately conserved, and computational analyses predict that this variant is neutral (REVEL: 0.07). Due to limited information, the clinical significance of the p.Arg378His variant is uncertain at this time. Gene Statement: Pathogenic variants in FLT4 are associated with autosomal dominant lymphatic malformation 1 (MIM: 153100).

Breakthrough Genomics
Classification: Uncertain significance. Review status: criteria provided, single submitter. Criteria: ACMG Guidelines, 2015. Collection method: not provided. Allele origin: germline. Inheritance: Autosomal dominant inheritance. Affected: yes.

NM_182925.5(FLT4):c.1133G>A (p.Arg378His)

Gene: FLT4 (fms related receptor tyrosine kinase 4; minus strand). Cytogenetic location: 5q35.3.
Variant type: single nucleotide variant.
Coding change: c.1133G>A on transcript NM_182925.5 (MANE Select); coding-DNA position 1133, G replaced by A.
Protein change: p.Arg378His; replaces arginine 378 with histidine.
Molecular consequence: missense variant.
Genome position (GRCh38, 1-based): chr5:180,626,236, C>T on the plus strand (G>A on the coding strand, the complement: FLT4 is on the minus strand). VCF-style: chr5-180626236-C-T. GRCh37 (hg19) VCF-style: chr5-180053236-C-T.
Other names: c.1133G>A, p.Arg378His (NM_001354989.2, NM_002020.5); short protein forms R378H.
Identifiers: ClinVar variation 1330716 (VCV001330716.22), dbSNP rs200763913, ClinGen allele CA3606838.